The following is an entry in ClinVar:

NM_001110556.2(FLNA):c.622+1G>A

Gene: FLNA (filamin A; minus strand). Cytogenetic location: Xq28.
Variant type: single nucleotide variant.
Coding change: c.622+1G>A on transcript NM_001110556.2 (MANE Select); the canonical splice donor site of the intron after coding-DNA position 622, G replaced by A.
Molecular consequence: splice donor variant.
Genome position (GRCh38, 1-based): chrX:154,367,841, C>T on the plus strand (G>A on the coding strand, the complement: FLNA is on the minus strand). VCF-style: chrX-154367841-C-T. GRCh37 (hg19) VCF-style: chrX-153596209-C-T.
Other names: c.622+1G>A (NM_001456.4).
Identifiers: ClinVar variation 1068197 (VCV001068197.9), dbSNP rs2148119316, ClinGen allele CA415248963.

ClinVar aggregate classification (germline): Likely pathogenic (1 of 4 stars; one submission).

Conditions:
Heterotopia, periventricular, X-linked dominant (PVNH1). Also called: PERIVENTRICULAR NODULAR HETEROTOPIA 1; X-linked periventricular heterotopia; PERIVENTRICULAR NODULAR HETEROTOPIA 4; HETEROTOPIA, PERIVENTRICULAR, 1. Identifiers: Orphanet 2149, Orphanet 82004, MedGen C1848213, MONDO:0010233, OMIM 300049.
Melnick-Needles syndrome (MNS). Also called: MELNICK-NEEDLES OSTEODYSPLASTY; OSTEODYSPLASTY OF MELNICK AND NEEDLES; Melnick-Needles Syndrome (FLNA-MNS). Identifiers: Orphanet 2484, MedGen C0025237, MONDO:0010650, OMIM 309350.
Frontometaphyseal dysplasia (FMD1). Identifiers: Orphanet 1826, MedGen C0265293, MONDO:0015942.
Oto-palato-digital syndrome, type II (OPD2). Also called: OPD II SYNDROME; FACIOPALATOOSSEOUS SYNDROME; Otopalatodigital Syndrome Type 2 (FLNA-OPD2); Otopalatodigital Syndrome, Type II. Identifiers: Orphanet 669, Orphanet 90652, MedGen C1844696, MONDO:0010571, OMIM 304120.

Submission:

Labcorp Genetics (formerly Invitae), Labcorp
Classification: Likely pathogenic for Oto-palato-digital syndrome, type II; Heterotopia, periventricular, X-linked dominant; Frontometaphyseal dysplasia; Melnick-Needles syndrome. Last evaluated: 2020-10-20. Review status: criteria provided, single submitter. Criteria: Invitae Variant Classification Sherloc (09022015). Collection method: clinical testing. Allele origin: germline.
Comment: In summary, the currently available evidence indicates that the variant is pathogenic, but additional data are needed to prove that conclusively. Therefore, this variant has been classified as Likely Pathogenic. Donor and acceptor splice site variants typically lead to a loss of protein function (PMID: 16199547), and loss-of-function variants in FLNA are known to be pathogenic (PMID: 16684786, 20730588, 26471271). Algorithms developed to predict the effect of sequence changes on RNA splicing suggest that this variant may disrupt the consensus splice site, but this prediction has not been confirmed by published transcriptional studies. This variant has been observed in individual(s) with periventricular heterotopia (Invitae). This variant is not present in population databases (ExAC no frequency). This sequence change affects a donor splice site in intron 3 of the FLNA gene. It is expected to disrupt RNA splicing and likely results in an absent or disrupted protein product.

Literature cited by the submitters: PubMed 16199547; PubMed 16684786; PubMed 20730588; PubMed 26471271.